The following is an entry in ClinVar:

ClinVar aggregate classification (germline): Uncertain significance. Review status: criteria provided, multiple submitters, no conflicts (2 of 4 stars). 9 submissions from 9 submitters: Uncertain significance (9). Last evaluated 2026-01-29.

Conditions:
Hereditary cancer-predisposing syndrome. Also called: Hereditary Cancer Syndrome; Tumor predisposition; Hereditary neoplastic syndrome; Neoplastic Syndromes, Hereditary. Identifiers: Orphanet 140162, MedGen C0027672, MeSH D009386, MONDO:0015356.
Breast-ovarian cancer, familial, susceptibility to, 4. Identifiers: Orphanet 145, MedGen C3280345, MONDO:0013669, OMIM 614291.
Hereditary breast ovarian cancer syndrome. Also called: BRCA1- and BRCA2-Associated Hereditary Breast and Ovarian Cancer; Hereditary breast and ovarian cancer syndrome (HBOC); Breast and ovarian cancer; Hereditary breast and ovarian cancer; Hereditary breast and ovarian cancer syndrome; Hereditary breast and/or ovarian cancer syndrome. Identifiers: Orphanet 145, MedGen C0677776, MeSH D061325, MONDO:0003582. Disease mechanism: loss of function.

Allele frequency attached by ClinVar (database versions not stated): TOPMed below 0.00001; gnomAD 0.00001.
gnomAD v4.1: 5 of 1,613,584 alleles (0.00031%); highest among the groups gnomAD compares: Non-Finnish European, 0.00042%; no homozygotes.

Submissions (9):

Women's Health and Genetics/Laboratory Corporation of America, LabCorp
Classification: Uncertain significance. Last evaluated: 2026-01-29. Review status: criteria provided, single submitter. Criteria: LabCorp Variant Classification Summary - May 2015. Collection method: clinical testing. Allele origin: germline.
Comment: Variant summary: RAD51D c.955C>T (p.Gln319X) results in a premature termination codon and is expected to disrupt the last 10 amino acids of the protein, however is not expected to undergo nonsense-mediated decay. The variant was absent in 251490 control chromosomes (gnomAD). The available data on variant occurrences in the general population are insufficient to allow any conclusion about variant significance. To our knowledge, no occurrence of c.955C>T in individuals affected with RAD51D-related conditions and no experimental evidence demonstrating its impact on protein function have been reported. ClinVar contains an entry for this variant (Variation ID: 193645). Based on the evidence outlined above, the variant was classified as uncertain significance.

Labcorp Genetics (formerly Invitae), Labcorp
Classification: Uncertain significance for Breast-ovarian cancer, familial, susceptibility to, 4. Last evaluated: 2025-08-13. Review status: criteria provided, single submitter. Criteria: Invitae Variant Classification Sherloc (09022015). Collection method: clinical testing. Allele origin: germline.
Comment: This sequence change creates a premature translational stop signal (p.Gln319*) in the RAD51D gene. While this is not anticipated to result in nonsense mediated decay, it is expected to disrupt the last 10 amino acid(s) of the RAD51D protein. This variant is not present in population databases (gnomAD no frequency). This premature translational stop signal has been observed in individual(s) with colorectal cancer (PMID: 30877237). ClinVar contains an entry for this variant (Variation ID: 193645). Experimental studies and prediction algorithms are not available or were not evaluated, and the functional significance of this variant is currently unknown. Studies have shown that this premature translational stop signal is associated with inconclusive levels of altered splicing (internal data). In summary, the available evidence is currently insufficient to determine the role of this variant in disease. Therefore, it has been classified as a Variant of Uncertain Significance.

Quest Diagnostics Nichols Institute San Juan Capistrano
Classification: Uncertain significance. Last evaluated: 2024-11-21. Review status: criteria provided, single submitter. Criteria: Quest Diagnostics criteria. Collection method: clinical testing. Allele origin: unknown.
Comment: The RAD51D c.955C>T (p.Gln319*) variant is predicted to cause the premature termination of RAD51D protein synthesis. This excludes the last ten amino acids that may be part of a disordered region that lacks known structure/function (PMID: 37344589 (2023)). It has been reported in the published literature in individuals affected with ovarian cancer (PMID: 26261251 (2015)), high-grade serous carcinoma of the fallopian tube (PMID: 28709830 (2017)), and breast cancer (PMID: 28709830 (2017)). The frequency of this variant in the general population, 0.0000066 (1/152186 chromosomes (Genome Aggregation Database)), is uninformative in the assessment of its pathogenicity. Based on the available information, we are unable to determine the clinical significance of this variant.

Ambry Genetics
Classification: Uncertain significance for Hereditary cancer-predisposing syndrome. Last evaluated: 2024-06-06. Review status: criteria provided, single submitter. Criteria: Ambry Variant Classification Scheme 2023. Collection method: clinical testing. Allele origin: germline.
Comment: The p.Q319* variant (also known as c.955C>T), located in coding exon 10 of the RAD51D gene, results from a C to T substitution at nucleotide position 955. This changes the amino acid from a glutamine to a stop codon within coding exon 10. This alteration occurs at the 3' terminus of theRAD51D gene, is not expected to trigger nonsense-mediated mRNAdecay, and only impacts the last 10 amino acids of the protein. The exact functional effect of this alteration is unknown. Based on the available evidence, the clinical significance of this variant remains unclear.

Baylor Genetics
Classification: Uncertain significance for Breast-ovarian cancer, familial, susceptibility to, 4. Last evaluated: 2023-11-23. Review status: criteria provided, single submitter. Criteria: ACMG Guidelines, 2015. Collection method: clinical testing. Allele origin: unknown.

Color Diagnostics, LLC DBA Color Health
Classification: Uncertain significance for Hereditary cancer-predisposing syndrome. Last evaluated: 2022-05-11. Review status: criteria provided, single submitter. Criteria: ACMG Guidelines, 2015. Collection method: clinical testing. Allele origin: germline.
Comment: This variant changes 1 nucleotide in exon 10 of the RAD51D gene, creating a premature translation stop signal in the last coding exon. The mutant transcript is expected to escape nonsense-mediated decay and be expressed as a truncated protein lacking the last ten amino acids of the RAD51D protein. To our knowledge, functional studies have not been performed for this variant nor has this variant been reported in individuals affected with hereditary cancer in the literature. This variant has not been identified in the general population by the Genome Aggregation Database (gnomAD). The available evidence is insufficient to determine the role of this variant in disease conclusively. Therefore, this variant is classified as a Variant of Uncertain Significance.

GeneDx
Classification: Uncertain significance. Last evaluated: 2021-10-05. Review status: criteria provided, single submitter. Criteria: GeneDx Variant Classification Process June 2021. Collection method: clinical testing. Allele origin: germline. Affected: yes.
Comment: Nonsense variant predicted to result in protein truncation as the last 10 amino acids are lost, although loss-of-function variants have not been reported downstream of this position in the protein; Deleted residues part of the critical RAD51C binding region of the ATPase domain (Miller 2004, Gruver 2009, Kim 2011); Has not been previously published as pathogenic or benign to our knowledge; Not observed at significant frequency in large population cohorts (Lek 2016); This variant is associated with the following publications: (PMID: 19327148, 14704354, 21111057)

Department of Pathology and Laboratory Medicine, Sinai Health System
Classification: Uncertain significance for Hereditary breast ovarian cancer syndrome. Last evaluated: 2021-03-08. Review status: criteria provided, single submitter. Criteria: ACMG Guidelines, 2015. Collection method: clinical testing. Allele origin: germline. Affected: yes.

Eurofins Ntd Llc (ga)
Classification: Uncertain significance. Last evaluated: 2018-06-19. Review status: criteria provided, single submitter. Criteria: EGL ClinVar v180209 classification definitions. Collection method: clinical testing. Allele origin: germline. Observed: 1 variant allele, 1 heterozygote.

Literature cited by the submitters: PubMed 30877237 (cited by Labcorp Genetics (formerly Invitae), Labcorp and Quest Diagnostics Nichols Institute San Juan Capistrano); PubMed 37344589 (cited by Quest Diagnostics Nichols Institute San Juan Capistrano); PubMed 30165555 (cited by Quest Diagnostics Nichols Institute San Juan Capistrano); PubMed 26261251 (cited by Quest Diagnostics Nichols Institute San Juan Capistrano); PubMed 28709830 (cited by Quest Diagnostics Nichols Institute San Juan Capistrano).

NM_002878.4(RAD51D):c.955C>T (p.Gln319Ter)

Genes: RAD51L3-RFFL (RAD51L3-RFFL readthrough; minus strand), RAD51D (RAD51 paralog D; minus strand). Cytogenetic location: 17q12.
Variant type: single nucleotide variant.
Coding change: c.955C>T on transcript NM_002878.4 (MANE Select); coding-DNA position 955, C replaced by T.
Protein change: p.Gln319Ter; replaces glutamine 319 with a stop codon.
Molecular consequence: nonsense. On other transcripts: non-coding transcript variant (2).
Genome position (GRCh38, 1-based): chr17:35,100,985, G>A on the plus strand (C>T on the coding strand, the complement: RAD51D is on the minus strand). VCF-style: chr17-35100985-G-A. GRCh37 (hg19) VCF-style: chr17-33428004-G-A.
Other names: c.1015C>T, p.Gln339Ter (NM_001142571.2); c.619C>T, p.Gln207Ter (NM_133629.3); short protein forms Q319*, Q207*, Q339*.
Identifiers: ClinVar variation 193645 (VCV000193645.30), dbSNP rs794726988, ClinGen allele CA200708.